The following is an entry in ClinVar:

ClinVar aggregate classification (germline): Pathogenic/Likely pathogenic. Review status: criteria provided, multiple submitters, no conflicts (2 of 4 stars). 3 submissions from 3 submitters: Pathogenic (1); Likely pathogenic (1). 1 of the submissions does not count toward it. Last evaluated 2023-08-04.

Conditions:
Maple syrup urine disease (MSUD). Identifiers: Orphanet 511, MedGen C0024776, MeSH D008375, MONDO:0009563. Disease mechanism: loss of function.

Submissions (3):

Labcorp Genetics (formerly Invitae), Labcorp
Classification: Pathogenic for Maple syrup urine disease. Last evaluated: 2023-08-04. Review status: criteria provided, single submitter. Criteria: Invitae Variant Classification Sherloc (09022015). Collection method: clinical testing. Allele origin: germline.
Comment: This missense change has been observed in individual(s) with MSUD (PMID: 7883996; Invitae). For these reasons, this variant has been classified as Pathogenic. Algorithms developed to predict the effect of sequence changes on RNA splicing suggest that this variant may disrupt the consensus splice site. Experimental studies have shown that this missense change affects BCKDHA function (PMID: 7883996). Advanced modeling of protein sequence and biophysical properties (such as structural, functional, and spatial information, amino acid conservation, physicochemical variation, residue mobility, and thermodynamic stability) performed at Invitae indicates that this missense variant is expected to disrupt BCKDHA protein function. ClinVar contains an entry for this variant (Variation ID: 2378). This variant is also known as F364C. This variant is not present in population databases (gnomAD no frequency). This sequence change replaces phenylalanine, which is neutral and non-polar, with cysteine, which is neutral and slightly polar, at codon 409 of the BCKDHA protein (p.Phe409Cys).

Women's Health and Genetics/Laboratory Corporation of America, LabCorp
Classification: Likely pathogenic for Maple syrup urine disease. Last evaluated: 2022-08-15. Review status: criteria provided, single submitter. Criteria: LabCorp Variant Classification Summary - May 2015. Collection method: clinical testing. Allele origin: germline.
Comment: Variant summary: BCKDHA c.1226T>G (p.Phe409Cys) results in a non-conservative amino acid change in the encoded protein sequence. Five of five in-silico tools predict a damaging effect of the variant on protein function. The variant was absent in 249270 control chromosomes (gnomAD). c.1226T>G (also known as F364C) has been reported in the literature in at-least one homozygous individual affected with Maple Syrup Urine Disease (Chuang_1995). Experimental evidence evaluating protein function have demonstrated that this variant effect results in <10% of normal activity (e.g. Chuang_1995, Wynn_1998). One clinical diagnostic laboratory has submitted clinical-significance assessments for this variant to ClinVar after 2014 and classified the variant as likely pathogenic. Based on the evidence outlined above, the variant was classified as likely pathogenic.

OMIM
Classification: Pathogenic for MAPLE SYRUP URINE DISEASE, TYPE IA. Last evaluated: 1998-05-22. Review status: no assertion criteria provided. Collection method: literature only. Allele origin: germline. Not counted in ClinVar's aggregate classification.

Literature cited by the submitters: PubMed 7883996 (cited by 3 submitters); PubMed 9582350 (cited by Women's Health and Genetics/Laboratory Corporation of America, LabCorp and OMIM); PubMed 11507102 (cited by Women's Health and Genetics/Laboratory Corporation of America, LabCorp).

NM_000709.4(BCKDHA):c.1226T>G (p.Phe409Cys)

Gene: BCKDHA (branched chain keto acid dehydrogenase E1 subunit alpha; plus strand). Cytogenetic location: 19q13.2.
Variant type: single nucleotide variant.
Coding change: c.1226T>G on transcript NM_000709.4 (MANE Select); coding-DNA position 1226, T replaced by G.
Protein change: p.Phe409Cys; replaces phenylalanine 409 with cysteine.
Molecular consequence: missense variant.
Genome position (GRCh38, 1-based): chr19:41,424,496, T>G. VCF-style: chr19-41424496-T-G. GRCh37 (hg19) VCF-style: chr19-41930401-T-G.
Other names: F364C; c.1223T>G, p.Phe408Cys (NM_001164783.2); short protein forms F408C, F409C.
Identifiers: ClinVar variation 2378 (VCV000002378.11), dbSNP rs137852872, ClinGen allele CA115510.